The following is an entry in ClinVar:

Conditions:
Breast-ovarian cancer, familial, susceptibility to, 1 (BROVCA1). Also called: BRCA1 Hereditary Breast and Ovarian Cancer; OVARIAN CANCER, SUSCEPTIBILITY TO. Identifiers: Orphanet 145, MedGen C2676676, MONDO:0011450, OMIM 604370. Disease mechanism: loss of function.

Submission:

Brotman Baty Institute, University of Washington
No classification provided (evidence only). Condition: Breast-ovarian cancer, familial 1. Review status: no classification provided. Collection method: in vitro. Allele origin: not applicable. Functional consequence: functionally_abnormal.
ClinVar note: "not provided" was previously submitted as the classification for the variant. However, the classification appeared to be based only on an observation of functional data so it was converted to no classification on 2025-07-30.

NM_007294.4(BRCA1):c.5510G>T (p.Trp1837Leu)

Gene: BRCA1 (BRCA1 DNA repair associated; minus strand). Cytogenetic location: 17q21.31.
Variant type: single nucleotide variant.
Coding change: c.5510G>T on transcript NM_007294.4 (MANE Select); coding-DNA position 5510, G replaced by T.
Protein change: p.Trp1837Leu; replaces tryptophan 1837 with leucine.
Molecular consequence: missense variant. On other transcripts: 3 prime UTR variant (1), non-coding transcript variant (1).
Genome position (GRCh38, 1-based): chr17:43,045,760, C>A on the plus strand (G>T on the coding strand, the complement: BRCA1 is on the minus strand). VCF-style: chr17-43045760-C-A. GRCh37 (hg19) VCF-style: chr17-41197777-C-A.
Other names: c.5366G>T, p.Trp1789Leu (NM_001407734.1, NM_001407735.1, NM_001407736.1 and 18 more transcripts); c.5363G>T, p.Trp1788Leu (NM_001407841.1, NM_001407842.1, NM_001407843.1 and 12 more transcripts); c.5297G>T, p.Trp1766Leu (NM_001407902.1, NM_001407904.1, NM_001407906.1 and 12 more transcripts); c.5294G>T, p.Trp1765Leu (NM_001407915.1, NM_001407916.1, NM_001407917.1 and 1 more transcripts); c.2906G>T, p.Trp969Leu (NM_001407968.1); c.2903G>T, p.Trp968Leu (NM_001407969.1); c.2267G>T, p.Trp756Leu (NM_001407970.1, NM_001407971.1); c.2264G>T, p.Trp755Leu (NM_001407972.1); and 74 more; short protein forms W1837L, W733L, W1858L, W1790L, W1668L, W1724L, W1725L, W1748L.
Identifiers: ClinVar variation 869001 (VCV000869001.3), dbSNP rs80357307, ClinGen allele CA10590295.